The following is an entry in ClinVar:

NM_004453.4(ETFDH):c.607-1G>A

Gene: ETFDH (electron transfer flavoprotein dehydrogenase; plus strand). Cytogenetic location: 4q32.1.
Variant type: single nucleotide variant.
Coding change: c.607-1G>A on transcript NM_004453.4 (MANE Select); the canonical splice acceptor site of the intron before coding-DNA position 607, G replaced by A.
Molecular consequence: splice acceptor variant.
Genome position (GRCh38, 1-based): chr4:158,690,347, G>A. VCF-style: chr4-158690347-G-A. GRCh37 (hg19) VCF-style: chr4-159611499-G-A.
Other names: c.466-1G>A (NM_001281737.2); c.424-1G>A (NM_001281738.1).
Identifiers: ClinVar variation 2675108 (VCV002675108.4), dbSNP rs760251231, ClinGen allele CA3122412.

ClinVar aggregate classification (germline): Likely pathogenic. Review status: criteria provided, multiple submitters, no conflicts (2 of 4 stars). 2 submissions from 2 submitters: Likely pathogenic (2). Last evaluated 2023-07-26.

Conditions:
Multiple acyl-CoA dehydrogenase deficiency (MADD). Also called: ETHYLMALONIC-ADIPICACIDURIA; GA II; Glutaric Acidemia type 2; Glutaric aciduria, type 2; Glutaric acidemia type II; GA 2. Identifiers: Orphanet 26791, MedGen C0268596, MONDO:0009282, OMIM 231680.

Allele frequency attached by ClinVar (database versions not stated): ExAC 0.00002.

Submissions (2):

Baylor Genetics
Classification: Likely pathogenic for Multiple acyl-CoA dehydrogenase deficiency. Last evaluated: 2023-07-26. Review status: criteria provided, single submitter. Criteria: ACMG Guidelines, 2015. Collection method: clinical testing. Allele origin: unknown.

Labcorp Genetics (formerly Invitae), Labcorp
Classification: Likely pathogenic for Multiple acyl-CoA dehydrogenase deficiency. Last evaluated: 2023-07-14. Review status: criteria provided, single submitter. Criteria: Invitae Variant Classification Sherloc (09022015). Collection method: clinical testing. Allele origin: germline.
Comment: In summary, the currently available evidence indicates that the variant is pathogenic, but additional data are needed to prove that conclusively. Therefore, this variant has been classified as Likely Pathogenic. Algorithms developed to predict the effect of sequence changes on RNA splicing suggest that this variant may disrupt the consensus splice site. This variant has not been reported in the literature in individuals affected with ETFDH-related conditions. This variant is present in population databases (rs760251231, gnomAD 0.002%). This sequence change affects an acceptor splice site in intron 5 of the ETFDH gene. It is expected to disrupt RNA splicing. Variants that disrupt the donor or acceptor splice site typically lead to a loss of protein function (PMID: 16199547), and loss-of-function variants in ETFDH are known to be pathogenic (PMID: 16510302, 23785301).

Literature cited by the submitters: PubMed 16199547 (cited by Labcorp Genetics (formerly Invitae), Labcorp); PubMed 16510302 (cited by Labcorp Genetics (formerly Invitae), Labcorp); PubMed 23785301 (cited by Labcorp Genetics (formerly Invitae), Labcorp).